The following is an entry in ClinVar:

ClinVar aggregate classification (germline): Likely benign. Review status: criteria provided, multiple submitters, no conflicts (2 of 4 stars). 3 submissions from 3 submitters: Likely benign (2). 1 of the submissions does not count toward it. Last evaluated 2025-07-23.

Conditions:
SIX5-related disorder. Also called: SIX5-related condition.

Allele frequency attached by ClinVar (database versions not stated): gnomAD 0.00001; ExAC 0.00003; TOPMed 0.00003.
gnomAD v4.1: 15 of 1,591,818 alleles (0.00094%); highest among the groups gnomAD compares: Admixed American, 0.021%; no homozygotes.

Submissions (3):

Labcorp Genetics (formerly Invitae), Labcorp
Classification: Likely benign. Last evaluated: 2025-07-23. Review status: criteria provided, single submitter. Criteria: Invitae Variant Classification Sherloc (09022015). Collection method: clinical testing. Allele origin: germline.

Blueprint Genetics
Classification: Likely benign. Last evaluated: 2021-03-25. Review status: criteria provided, single submitter. Criteria: ACMG Guidelines, 2015. Collection method: clinical testing. Allele origin: germline.

PreventionGenetics, part of Exact Sciences
Classification: Likely benign for SIX5-related condition. Last evaluated: 2024-02-14. Review status: no assertion criteria provided. Collection method: clinical testing. Allele origin: germline. Not counted in ClinVar's aggregate classification.
Comment: This variant is classified as likely benign based on ACMG/AMP sequence variant interpretation guidelines (Richards et al. 2015 PMID: 25741868, with internal and published modifications).

NM_175875.5(SIX5):c.993C>T (p.Ser331=)

Genes: SIX5 (SIX homeobox 5; minus strand), LOC107075317 (origin of replication in DMPK trinucleotide repeat region; plus strand). Cytogenetic location: 19q13.32.
Variant type: single nucleotide variant.
Coding change: c.993C>T on transcript NM_175875.5 (MANE Select); coding-DNA position 993, C replaced by T.
Protein change: p.Ser331=; no amino-acid change (serine 331 retained).
Molecular consequence: synonymous variant.
Genome position (GRCh38, 1-based): chr19:45,766,966, G>A on the plus strand (C>T on the coding strand, the complement: SIX5 is on the minus strand). VCF-style: chr19-45766966-G-A. GRCh37 (hg19) VCF-style: chr19-46270224-G-A.
Other names: c.993C>T (NM_175875.4).
Identifiers: ClinVar variation 1628024 (VCV001628024.11), dbSNP rs760311721, ClinGen allele CA9520699.
Genomic context (GRCh38, chr19:45,766,966, plus strand): 5'-GCCCAGGGCCAGGCCGTTGATGATGACGGGGCCCCCGTTGAGGAGCACTGCTGGGGAGCC[G>A]CTGGCTGCCAGGAAGCTCCCGTTCACCAGGATGGAGGAGGAAGCCGGGCAAGGCGCGGGA-3'
Protein context (NP_787071.3, residues 321-341): ILVNGSFLAA[Ser331=]GSPAVLLNGG